The following is an entry in ClinVar:

NM_000077.5(CDKN2A):c.412A>G (p.Arg138Gly)

Gene: CDKN2A (cyclin dependent kinase inhibitor 2A; minus strand). Cytogenetic location: 9p21.3.
Variant type: single nucleotide variant.
Coding change: c.412A>G on transcript NM_000077.5; coding-DNA position 412, A replaced by G.
Protein change: p.Arg138Gly; replaces arginine 138 with glycine.
Molecular consequence: missense variant (on NM_000077.6). On other transcripts: 3 prime UTR variant (2).
Genome position (GRCh38, 1-based): chr9:21,970,947, T>C on the plus strand (A>G on the coding strand, the complement: CDKN2A is on the minus strand). VCF-style: chr9-21970947-T-C. GRCh37 (hg19) VCF-style: chr9-21970946-T-C.
Other names: c.412A>G, p.Arg138Gly (NM_000077.6, NM_001195132.2); c.259A>G, p.Arg87Gly (NM_001363763.2); c.*56A>G (NM_058195.4); c.*335A>G (NM_058197.5); short protein forms R138G, R87G.
Identifiers: ClinVar variation 233990 (VCV000233990.25), dbSNP rs145012438, ClinGen allele CA10578835.

ClinVar aggregate classification (germline): Uncertain significance. Review status: criteria provided, multiple submitters, no conflicts (2 of 4 stars). 6 submissions from 6 submitters: Uncertain significance (6). Last evaluated 2025-10-23.

Conditions:
Hereditary cancer-predisposing syndrome. Also called: Neoplastic Syndromes, Hereditary; Hereditary Cancer Syndrome; Tumor predisposition; Hereditary neoplastic syndrome. Identifiers: Orphanet 140162, MedGen C0027672, MeSH D009386, MONDO:0015356.
Familial melanoma. Also called: Hereditary melanoma; Hereditary cutaneous melanoma. Identifiers: Orphanet 618, MedGen C1512419, MONDO:0018961.
Melanoma and neural system tumor syndrome. Also called: MELANOMA-ASTROCYTOMA SYNDROME. Identifiers: Orphanet 252206, MedGen C1835042, MONDO:0007967, OMIM 155755.
Melanoma-pancreatic cancer syndrome. Identifiers: Orphanet 404560, MedGen C1838547, MONDO:0011713, OMIM 606719. Disease mechanism: loss of function.
Melanoma, cutaneous malignant, susceptibility to, 2 (CMM2). Also called: CDKN2A-Related Cutaneous Malignant Melanoma; Cutaneous malignant melanoma 2. Identifiers: Orphanet 618, MedGen C1835044, MONDO:0007964, OMIM 155601.

Allele frequency attached by ClinVar (database versions not stated): gnomAD 0.00001; gnomAD exomes 0.00001; TOPMed 0.00001; ESP Exome Variant Server 0.00015.
gnomAD v4.1: 15 of 1,612,210 alleles (0.00093%); highest among the groups gnomAD compares: African/African-American, 0.0013%; no homozygotes.

Submissions (6):

Labcorp Genetics (formerly Invitae), Labcorp
Classification: Uncertain significance for Familial melanoma. Last evaluated: 2025-10-23. Review status: criteria provided, single submitter. Criteria: Invitae Variant Classification Sherloc (09022015). Collection method: clinical testing. Allele origin: germline.
Comment: This sequence change replaces arginine, which is basic and polar, with glycine, which is neutral and non-polar, at codon 138 of the CDKN2A (p16INK4a) protein (p.Arg138Gly). This variant is present in population databases (rs145012438, gnomAD 0.0009%). This missense change has been observed in individual(s) with dysplastic nevi that did not have a personal and family history of melanoma and acute lymphoblastic leukaemia (PMID: 11511321, 26104880). ClinVar contains an entry for this variant (Variation ID: 233990). An algorithm developed to predict the effect of missense changes on protein structure and function outputs the following: PolyPhen-2: "Benign". The glycine amino acid residue is found in multiple mammalian species, which suggests that this missense change does not adversely affect protein function. Experimental studies have shown that this missense change does not substantially affect CDKN2A (p16INK4a) function (PMID: 34369425). In summary, the available evidence is currently insufficient to determine the role of this variant in disease. Therefore, it has been classified as a Variant of Uncertain Significance.

Color Diagnostics, LLC DBA Color Health
Classification: Uncertain significance for Hereditary cancer-predisposing syndrome. Last evaluated: 2024-08-28. Review status: criteria provided, single submitter. Criteria: ACMG Guidelines, 2015. Collection method: clinical testing. Allele origin: germline.
Comment: The CDKN2A locus encodes two different gene products, p16INK4a and p14ARF. This missense variant replaces arginine with glycine at codon 138 of the CDKN2A (p16INK4A) protein. Computational prediction suggests that this variant may not impact protein structure and function. A functional study has shown that this variant does not alter CDKN2A (p16INK4A) protein function as determined by cell growth assay and its effect on CDK4/6-RB-E2F2 signaling pathway (PMID: 34369425). This variant has been reported in individuals affected with childhood-onset acute lymphoblastic leukemia (PMID: 26104880) and in an individual affected with melanocytic nevi without personal or a family history of melanoma (PMID: 11511321). This variant has been identified in 2/246242 chromosomes in the general population by the Genome Aggregation Database (gnomAD). The available evidence is insufficient to determine the role of this variant in disease conclusively. Therefore, this variant is classified as a Variant of Uncertain Significance.

Fulgent Genetics
Classification: Uncertain significance for Melanoma, cutaneous malignant, susceptibility to, 2; Melanoma and neural system tumor syndrome; Melanoma-pancreatic cancer syndrome. Last evaluated: 2024-05-01. Review status: criteria provided, single submitter. Criteria: ACMG Guidelines, 2015. Collection method: clinical testing. Allele origin: germline.

Ambry Genetics
Classification: Uncertain significance for Hereditary cancer-predisposing syndrome. Last evaluated: 2023-10-31. Review status: criteria provided, single submitter. Criteria: Ambry Variant Classification Scheme 2023. Collection method: clinical testing. Allele origin: germline.
Comment: The p.R138G variant (also known as c.412A>G), located in coding exon 2 of the CDKN2A gene, results from an A to G substitution at nucleotide position 412. The arginine at codon 138 is replaced by glycine, an amino acid with dissimilar properties. This alteration has been reported in an individual with acute lymphoblastic leukemia (Xu H et al. Nat Commun, 2015 Jun;6:7553). This amino acid position is poorly conserved in available vertebrate species. In addition, this alteration is predicted to be tolerated by in silico analysis. Since supporting evidence is limited at this time, the clinical significance of this alteration remains unclear.

GeneDx
Classification: Uncertain significance. Last evaluated: 2023-06-28. Review status: criteria provided, single submitter. Criteria: GeneDx Variant Classification Process June 2021. Collection method: clinical testing. Allele origin: germline. Affected: yes.
Comment: Not observed at significant frequency in large population cohorts (gnomAD); In silico analysis supports that this missense variant does not alter protein structure/function; Published functional studies demonstrate protein levels and phosphorylation levels of CDK4 and Rb proteins comparable to wild-type (Li et al., 2022); This variant is associated with the following publications: (PMID: 26104880, 8573142, 27756164, 30857943, 27960642, 18519632, 16818274, 9166859, 28765326, 7718873, 34369425, 11511321, 30395287)

Women's Health and Genetics/Laboratory Corporation of America, LabCorp
Classification: Uncertain significance. Last evaluated: 2023-01-19. Review status: criteria provided, single submitter. Criteria: LabCorp Variant Classification Summary - May 2015. Collection method: clinical testing. Allele origin: germline.
Comment: Variant summary: CDKN2A c.412A>G (p.Arg138Gly) results in a non-conservative amino acid change located in the ANK repeat 4 (CKB) of the encoded protein sequence. Four of five in-silico tools predict a benign effect of the variant on protein function. The variant allele was found at a frequency of 8.1e-06 in 246242 control chromosomes (gnomAD). The available data on variant occurrences in the general population are insufficient to allow any conclusion about variant significance c.412A>G has been reported in the literature in an individual with benign nevi, who had no personal or family history of melanoma (Welch_2001), and was also reported in a child affected with acute lymphoblastic leukemia, however it was also found in controls (Xu_2015). These reports do not provide unequivocal conclusions about association of the variant with Cutaneous Malignant Melanoma. At least one publication reports R138G suppresses IL3-independent growth similar to wild-type in BCR-ABL1-expressing cells in culture (Li_2022). Four ClinVar submitters (evaluation after 2014) cite the variant as uncertain significance. Based on the evidence outlined above, the variant was classified as uncertain significance.

Literature cited by the submitters: PubMed 11511321 (cited by 4 submitters); PubMed 26104880 (cited by 4 submitters); PubMed 34369425 (cited by 3 submitters); PubMed 8573142 (cited by Ambry Genetics); PubMed 27756164 (cited by Women's Health and Genetics/Laboratory Corporation of America, LabCorp); PubMed 27960642 (cited by Women's Health and Genetics/Laboratory Corporation of America, LabCorp); PubMed 28765326 (cited by Women's Health and Genetics/Laboratory Corporation of America, LabCorp); PubMed 9166859 (cited by Women's Health and Genetics/Laboratory Corporation of America, LabCorp); PubMed 16818274 (cited by Women's Health and Genetics/Laboratory Corporation of America, LabCorp); PubMed 18519632 (cited by Women's Health and Genetics/Laboratory Corporation of America, LabCorp); PubMed 7718873 (cited by Women's Health and Genetics/Laboratory Corporation of America, LabCorp).